The following is an entry in ClinVar:

ClinVar aggregate classification (germline): Likely benign (1 of 4 stars; one submission).

Conditions:
Familial cancer of breast. Also called: hereditary breast carcinoma; Hereditary breast cancer; BREAST CANCER, FAMILIAL. Identifiers: Orphanet 227535, MedGen C0346153, MONDO:0016419, OMIM 114480. Disease mechanism: loss of function.

Submission:

Myriad Genetics, Inc.
Classification: Likely benign for Familial cancer of breast. Last evaluated: 2024-09-04. Review status: criteria provided, single submitter. Criteria: Myriad Autosomal Dominant, Autosomal Recessive and X-Linked Classification Criteria (2023). Collection method: clinical testing. Allele origin: unknown.
Comment: This variant is considered likely benign. This variant is intronic and is not expected to impact mRNA splicing.

NM_032043.3(BRIP1):c.2380-18A>C

Gene: BRIP1 (BRCA1 interacting DNA helicase 1; minus strand). Cytogenetic location: 17q23.2.
Variant type: single nucleotide variant.
Coding change: c.2380-18A>C on transcript NM_032043.3 (MANE Select); 18 bases into the intron before coding-DNA position 2380, A replaced by C.
Molecular consequence: intron variant.
Genome position (GRCh38, 1-based): chr17:61,716,081, T>G on the plus strand (A>C on the coding strand, the complement: BRIP1 is on the minus strand). VCF-style: chr17-61716081-T-G. GRCh37 (hg19) VCF-style: chr17-59793442-T-G.
Identifiers: ClinVar variation 3378863 (VCV003378863.1).